The following is an entry in ClinVar:

NM_002439.5(MSH3):c.1651C>T (p.Gln551Ter)

Gene: MSH3 (mutS homolog 3; plus strand). Cytogenetic location: 5q14.1.
Variant type: single nucleotide variant.
Coding change: c.1651C>T on transcript NM_002439.5 (MANE Select); coding-DNA position 1651, C replaced by T.
Protein change: p.Gln551Ter; replaces glutamine 551 with a stop codon.
Molecular consequence: nonsense.
Genome position (GRCh38, 1-based): chr5:80,741,546, C>T. VCF-style: chr5-80741546-C-T. GRCh37 (hg19) VCF-style: chr5-80037365-C-T.
Other names: short protein forms Q551*.
Identifiers: ClinVar variation 4856717 (VCV004856717.1).

ClinVar aggregate classification (germline): Pathogenic (1 of 4 stars; one submission).

Conditions:
Familial adenomatous polyposis 4 (FAP4). Also called: MSH3-related attenuated familial adenomatous polyposis. Identifiers: Orphanet 480536, MedGen C4310719, MONDO:0044300, OMIM 617100.

Submission:

Myriad Genetics, Inc.
Classification: Pathogenic for Familial adenomatous polyposis 4. Last evaluated: 2026-01-13. Review status: criteria provided, single submitter. Criteria: Myriad Autosomal Dominant, Autosomal Recessive and X-Linked Classification Criteria (2023). Collection method: clinical testing. Allele origin: unknown.
Comment: This variant is considered pathogenic. This variant creates a termination codon and is predicted to result in premature protein truncation.